The following is an entry in ClinVar:

ClinVar aggregate classification (germline): Conflicting classifications of pathogenicity. Review status: criteria provided, conflicting classifications (1 of 4 stars). 8 submissions from 8 submitters: Uncertain significance (1); Benign (2); Likely benign (5). Last evaluated 2026-05-22.

Conditions:
Familial hypercholesterolemia. Also called: Familial hypercholesterolaemia; Familial hypercholesterolemias. Identifiers: MedGen C0020445, MONDO:0005439.
Cardiovascular phenotype. Identifiers: MedGen CN230736.
Hypercholesterolemia, familial, 4 (FHCL4). Also called: HYPERCHOLESTEROLEMIA, AUTOSOMAL RECESSIVE, 1; HYPERCHOLESTEROLEMIA, AUTOSOMAL RECESSIVE, 2. Identifiers: Orphanet 391665, MedGen C1863512, MONDO:0011374, OMIM 603813.

Allele frequency attached by ClinVar (database versions not stated): TOPMed 0.00002; gnomAD 0.00006.
gnomAD v4.1: 119 of 1,614,136 alleles (0.0074%); highest among the groups gnomAD compares: Middle Eastern, 0.13%; no homozygotes.

Submissions (8):

Cambridge Genomics Laboratory, East Genomic Laboratory Hub, NHS Genomic Medicine Service
Classification: Uncertain significance for Familial hypercholesterolaemia. Last evaluated: 2026-05-22. Review status: criteria provided, single submitter. Criteria: ACGS Best Practice Guidelines for Variant Classification in Rare Disease 2020. Collection method: clinical testing. Allele origin: germline. Affected: yes.
Comment: PM2,PP4,BP4

Labcorp Genetics (formerly Invitae), Labcorp
Classification: Likely benign for Hypercholesterolemia, familial, 4. Last evaluated: 2026-01-28. Review status: criteria provided, single submitter. Criteria: Invitae Variant Classification Sherloc (09022015). Collection method: clinical testing. Allele origin: germline.

Women's Health and Genetics/Laboratory Corporation of America, LabCorp
Classification: Likely benign. Last evaluated: 2025-04-24. Review status: criteria provided, single submitter. Criteria: LabCorp Variant Classification Summary - May 2015. Collection method: clinical testing. Allele origin: germline.
Comment: Variant summary: LDLRAP1 c.748-4C>A alters a non-conserved nucleotide located at a position not widely known to affect splicing. Consensus agreement among computation tools predict no significant impact on normal splicing. However, these predictions have yet to be confirmed by functional studies. The variant allele was found at a frequency of 0.00013 in 251492 control chromosomes, predominantly at a frequency of 0.00072 within the South Asian subpopulation in the gnomAD database. This frequency is not significantly higher than estimated for a pathogenic variant in LDLRAP1 causing Familial Hypercholesterolemia, allowing no conclusion about variant significance. c.748-4C>A has been observed in individual(s) affected with Familial Hypercholesterolemia, without strong evidence for causality (Rimbert_2022). These report(s) do not provide unequivocal conclusions about association of the variant with Familial Hypercholesterolemia. To our knowledge, no experimental evidence demonstrating an impact on protein function has been reported. The following publication has been ascertained in the context of this evaluation (PMID: 35047021). ClinVar contains an entry for this variant (Variation ID: 698758). Based on the evidence outlined above, the variant was classified as likely benign.

Molecular Diagnostic Laboratory for Inherited Cardiovascular Disease, Montreal Heart Institute
Classification: Likely benign. Last evaluated: 2025-04-09. Review status: criteria provided, single submitter. Criteria: ACMG Guidelines, 2015. Collection method: clinical testing. Allele origin: germline. Affected: no.
Comment: PM2;BP6;BP7

Blueprint Genetics
Classification: Likely benign. Last evaluated: 2024-10-18. Review status: criteria provided, single submitter. Criteria: ACMG Guidelines, 2015. Collection method: clinical testing. Allele origin: germline.

Ambry Genetics
Classification: Benign for Cardiovascular phenotype. Last evaluated: 2023-04-12. Review status: criteria provided, single submitter. Criteria: Ambry Variant Classification Scheme 2023. Collection method: clinical testing. Allele origin: germline.

Genome-Nilou Lab
Classification: Benign for Hypercholesterolemia, familial, 4. Last evaluated: 2023-04-11. Review status: criteria provided, single submitter. Criteria: ACMG Guidelines, 2015. Collection method: clinical testing. Allele origin: germline. Affected: no.

GeneDx
Classification: Likely benign. Last evaluated: 2021-03-26. Review status: criteria provided, single submitter. Criteria: GeneDx Variant Classification Process June 2021. Collection method: clinical testing. Allele origin: germline. Affected: yes.
Comment: See Variant Classification Assertion Criteria.

Literature cited by the submitters: PubMed 35047021 (cited by Women's Health and Genetics/Laboratory Corporation of America, LabCorp and Ambry Genetics).

NM_015627.3(LDLRAP1):c.748-4C>A

Gene: LDLRAP1 (low density lipoprotein receptor adaptor protein 1; plus strand). Cytogenetic location: 1p36.11.
Variant type: single nucleotide variant.
Coding change: c.748-4C>A on transcript NM_015627.3 (MANE Select); 4 bases into the intron before coding-DNA position 748, C replaced by A.
Molecular consequence: intron variant.
Genome position (GRCh38, 1-based): chr1:25,565,169, C>A. VCF-style: chr1-25565169-C-A. GRCh37 (hg19) VCF-style: chr1-25891660-C-A.
Identifiers: ClinVar variation 698758 (VCV000698758.20), dbSNP rs370633185, ClinGen allele CA695728.
Genomic context (GRCh38, chr1:25,565,169, plus strand): 5'-GCCCCAGCTGTGAGCATGGGCTCCCCCAAACATAGTTCTTATCTCCTGCTTTGTTTTCCC[C>A]AAGGAGCTGGATGATGGCCTGGATGAAGCGTTTTCGAGGTAATGCTAGCTTCCTGTGCTG-3'